The following is an entry in ClinVar:

NM_001365951.3(KIF1B):c.2330A>G (p.Asn777Ser)

Gene: KIF1B (kinesin family member 1B; plus strand). Cytogenetic location: 1p36.22.
Variant type: single nucleotide variant.
Coding change: c.2330A>G on transcript NM_001365951.3 (MANE Select); coding-DNA position 2330, A replaced by G.
Protein change: p.Asn777Ser; replaces asparagine 777 with serine.
Molecular consequence: missense variant.
Genome position (GRCh38, 1-based): chr1:10,321,829, A>G. VCF-style: chr1-10321829-A-G. GRCh37 (hg19) VCF-style: chr1-10381887-A-G.
Other names: c.2330A>G, p.Asn777Ser (NM_001365952.1); c.2192A>G, p.Asn731Ser (NM_015074.3); short protein forms N731S, N777S.
Identifiers: ClinVar variation 240957 (VCV000240957.27), dbSNP rs117525287, ClinGen allele CA581499.

ClinVar aggregate classification (germline): Benign. Review status: criteria provided, multiple submitters, no conflicts (2 of 4 stars). 8 submissions from 8 submitters: Benign (6). 2 of the submissions do not count toward it. Last evaluated 2026-02-02.

Conditions:
Neuroblastoma (NB). Identifiers: Orphanet 635, MedGen C0027819, MeSH D009447, MONDO:0005072, HP:0003006.
Charcot-Marie-Tooth disease. Also called: Charcot-Marie-Tooth Neuropathy; Charcot-Marie-Tooth Hereditary Neuropathy. Identifiers: Orphanet 166, MedGen C0007959, MONDO:0015626.
Charcot-Marie-Tooth disease type 2. Also called: Charcot-Marie-Tooth type 2. Identifiers: Orphanet 64746, MedGen C0270914, MONDO:0018993.

Allele frequency attached by ClinVar (database versions not stated): TOPMed 0.00204; gnomAD 0.00273 and 0.00228; 1000 Genomes Project 0.00779; ESP Exome Variant Server 0.00015; gnomAD exomes 0.00483 and 0.00189; 1000 Genomes Project 30x 0.00625; ExAC 0.00468.
gnomAD v4.1: 3,253 of 1,614,194 alleles (0.2%); highest among the groups gnomAD compares: East Asian, 4.3%; 55 homozygotes.

Submissions (8):

Labcorp Genetics (formerly Invitae), Labcorp
Classification: Benign for Charcot-Marie-Tooth disease type 2. Last evaluated: 2026-02-02. Review status: criteria provided, single submitter. Criteria: Invitae Variant Classification Sherloc (09022015). Collection method: clinical testing. Allele origin: germline.

ARUP Laboratories, Molecular Genetics and Genomics, ARUP Laboratories
Classification: Benign. Last evaluated: 2025-01-08. Review status: criteria provided, single submitter. Criteria: ARUP Molecular Germline Variant Investigation Process 2024. Collection method: clinical testing. Allele origin: germline.

Ambry Genetics
Classification: Benign. Last evaluated: 2020-07-28. Review status: criteria provided, single submitter. Criteria: Ambry Variant Classification Scheme 2023. Collection method: clinical testing. Allele origin: germline.

Illumina Laboratory Services, Illumina
Classification: Benign for Neuroblastoma. Last evaluated: 2018-01-13. Review status: criteria provided, single submitter. Criteria: ICSL Variant Classification Criteria 13 December 2019. Collection method: clinical testing. Allele origin: germline.
Comment: This variant was observed in the ICSL laboratory as part of a predisposition screen in an ostensibly healthy population. It had not been previously curated by ICSL or reported in the Human Gene Mutation Database (HGMD: prior to June 1st, 2018), and was therefore a candidate for classification through an automated scoring system. Utilizing variant allele frequency, disease prevalence and penetrance estimates, and inheritance mode, an automated score was calculated to assess if this variant is too frequent to cause the disease. Based on the score and internal cut-off values, a variant classified as benign is not then subjected to further curation. The score for this variant resulted in a classification of benign for this disease.

Breakthrough Genomics
Classification: Benign. Review status: criteria provided, single submitter. Criteria: ACMG Guidelines, 2015. Collection method: not provided. Allele origin: germline. Inheritance: Autosomal dominant inheritance. Affected: yes.

Molecular Genetics Laboratory, London Health Sciences Centre
Classification: Benign for Charcot-Marie-Tooth disease. Review status: criteria provided, single submitter. Criteria: ACMG Guidelines, 2015. Collection method: clinical testing. Allele origin: germline. Affected: yes.

Genome Diagnostics Laboratory, University Medical Center Utrecht
Classification: Benign. Review status: no assertion criteria provided. Collection method: clinical testing. Allele origin: germline. Affected: yes. Study: VKGL Data-share Consensus. Not counted in ClinVar's aggregate classification.

Laboratory of Diagnostic Genome Analysis, Leiden University Medical Center (LUMC)
Classification: Likely benign. Review status: no assertion criteria provided. Collection method: clinical testing. Allele origin: germline. Affected: yes. Study: VKGL Data-share Consensus. Not counted in ClinVar's aggregate classification.